The following is an entry in ClinVar:

ClinVar aggregate classification (germline): Pathogenic/Likely pathogenic. Review status: criteria provided, multiple submitters, no conflicts (2 of 4 stars). 4 submissions from 4 submitters: Pathogenic (2); Likely pathogenic (2). Last evaluated 2026-04-01.

Conditions:
Primary ciliary dyskinesia. Also called: Ciliary dyskinesia. Identifiers: Orphanet 244, MedGen C0008780, MONDO:0016575, HP:0012265.
Primary ciliary dyskinesia 7. Also called: CILIARY DYSKINESIA, PRIMARY, 7, WITH OR WITHOUT SITUS INVERSUS. Identifiers: Orphanet 244, MedGen C2678473, MONDO:0012748, OMIM 611884.

Submissions (4):

Department of Human Genetics, Hannover Medical School
Classification: Likely pathogenic for Primary Ciliary Dyskinesia. Last evaluated: 2026-04-01. Review status: criteria provided, single submitter. Criteria: ACMG Guidelines, 2015. Collection method: research. Allele origin: germline. Affected: no.
Comment: Classification performed by HerediClassify using the following criteria:['PM2_supporting: Variant occures does not occur as homozygous in gnomAD.', 'PVS1_protein_very_strong: Transcript ENST00000409508 is predicted to undergo NMD.']

Labcorp Genetics (formerly Invitae), Labcorp
Classification: Pathogenic for Primary ciliary dyskinesia. Last evaluated: 2024-09-10. Review status: criteria provided, single submitter. Criteria: Invitae Variant Classification Sherloc (09022015). Collection method: clinical testing. Allele origin: germline.
Comment: This sequence change creates a premature translational stop signal (p.Arg1264Ilefs*10) in the DNAH11 gene. It is expected to result in an absent or disrupted protein product. Loss-of-function variants in DNAH11 are known to be pathogenic (PMID: 18022865, 20513915, 22184204). This variant is present in population databases (rs749926976, gnomAD 0.0009%). This variant has not been reported in the literature in individuals affected with DNAH11-related conditions. For these reasons, this variant has been classified as Pathogenic.

CeGaT Center for Human Genetics Tuebingen
Classification: Pathogenic. Last evaluated: 2022-02-01. Review status: criteria provided, single submitter. Criteria: CeGaT Center For Human Genetics Tuebingen Variant Classification Criteria Version 2. Collection method: clinical testing. Allele origin: germline. Affected: yes. Observed: 1 variant allele.

Fulgent Genetics
Classification: Likely pathogenic for Primary ciliary dyskinesia 7. Last evaluated: 2022-01-06. Review status: criteria provided, single submitter. Criteria: ACMG Guidelines, 2015. Collection method: clinical testing. Allele origin: unknown.

Literature cited by the submitters: PubMed 18022865 (cited by Labcorp Genetics (formerly Invitae), Labcorp); PubMed 20513915 (cited by Labcorp Genetics (formerly Invitae), Labcorp); PubMed 22184204 (cited by Labcorp Genetics (formerly Invitae), Labcorp).

NM_001277115.2(DNAH11):c.3791_3792del (p.Arg1264fs)

Gene: DNAH11 (dynein axonemal heavy chain 11; plus strand). Cytogenetic location: 7p15.3.
Variant type: Microsatellite.
Coding change: c.3791_3792del on transcript NM_001277115.2 (MANE Select); coding-DNA positions 3791 to 3792, 2 bases deleted (GA; older notation c.3791_3792delGA).
Protein change: p.Arg1264fs; shifts the reading frame from arginine 1264.
Molecular consequence: frameshift variant.
Genome position (GRCh38, 1-based): chr7:21,606,672-21,606,673, GA deleted; deleting any 2 consecutive bases within chr7:21,606,665-21,606,673 gives the same sequence; the c. name uses the placement nearest the transcript's 3' end. VCF-style (leftmost placement, unchanged base first): chr7-21606664-CAG-C. GRCh37 (hg19) VCF-style: chr7-21646282-CAG-C.
Other names: short protein forms R1264fs.
Identifiers: ClinVar variation 1676058 (VCV001676058.38), dbSNP rs749926976, ClinGen allele CA4179763.